The following is an entry in ClinVar:

ClinVar aggregate classification (germline): Uncertain significance. Review status: criteria provided, multiple submitters, no conflicts (2 of 4 stars). 2 submissions from 2 submitters: Uncertain significance (2). Last evaluated 2024-09-23.

Conditions:
Cardiovascular phenotype. Identifiers: MedGen CN230736.
Atrioventricular septal defect 4 (AVSD4). Identifiers: MedGen C3280781, MONDO:0013747, OMIM 614430.

Allele frequency attached by ClinVar (database versions not stated): gnomAD 0.00002; TOPMed 0.00002.
gnomAD v4.1: 7 of 1,276,774 alleles (0.00055%); highest among the groups gnomAD compares: Non-Finnish European, 0.0002%; no homozygotes.

Submissions (2):

Labcorp Genetics (formerly Invitae), Labcorp
Classification: Uncertain significance for Atrioventricular septal defect 4. Last evaluated: 2024-09-23. Review status: criteria provided, single submitter. Criteria: Invitae Variant Classification Sherloc (09022015). Collection method: clinical testing. Allele origin: germline.
Comment: This sequence change replaces arginine, which is basic and polar, with leucine, which is neutral and non-polar, at codon 127 of the GATA4 protein (p.Arg127Leu). This variant is not present in population databases (gnomAD no frequency). This variant has not been reported in the literature in individuals affected with GATA4-related conditions. ClinVar contains an entry for this variant (Variation ID: 1735144). Invitae Evidence Modeling of protein sequence and biophysical properties (such as structural, functional, and spatial information, amino acid conservation, physicochemical variation, residue mobility, and thermodynamic stability) indicates that this missense variant is not expected to disrupt GATA4 protein function with a negative predictive value of 80%. In summary, the available evidence is currently insufficient to determine the role of this variant in disease. Therefore, it has been classified as a Variant of Uncertain Significance.

Ambry Genetics
Classification: Uncertain significance for Cardiovascular phenotype. Last evaluated: 2021-10-25. Review status: criteria provided, single submitter. Criteria: Ambry Variant Classification Scheme 2023. Collection method: clinical testing. Allele origin: germline.
Comment: The p.R127L variant (also known as c.380G>T), located in coding exon 1 of the GATA4 gene, results from a G to T substitution at nucleotide position 380. The arginine at codon 127 is replaced by leucine, an amino acid with dissimilar properties. This amino acid position is conserved. In addition, this alteration is predicted to be deleterious by in silico analysis. Since supporting evidence is limited at this time, the clinical significance of this alteration remains unclear.

NM_001308093.3(GATA4):c.380G>T (p.Arg127Leu)

Gene: GATA4 (GATA binding protein 4). Cytogenetic location: 8p23.1.
Variant type: single nucleotide variant.
Coding change: c.380G>T on transcript NM_001308093.3 (MANE Select); coding-DNA position 380, G replaced by T.
Protein change: p.Arg127Leu; replaces arginine 127 with leucine.
Molecular consequence: missense variant. On other transcripts: intron variant (3).
Genome position (GRCh38, 1-based): chr8:11,708,692, G>T. VCF-style: chr8-11708692-G-T. GRCh37 (hg19) VCF-style: chr8-11566201-G-T.
Other names: c.380G>T, p.Arg127Leu (NM_002052.5); c.-6+7914G>T (NM_001308094.2); c.-3+678G>T (NM_001374274.1); c.-3+4388G>T (NM_001374273.1); short protein forms R127L.
Identifiers: ClinVar variation 1735144 (VCV001735144.4), dbSNP rs1243318122, ClinGen allele CA370309502.